The following is an entry in ClinVar:

ClinVar aggregate classification (germline): Uncertain significance. Review status: criteria provided, multiple submitters, no conflicts (2 of 4 stars). 3 submissions from 3 submitters: Uncertain significance (3). Last evaluated 2026-09-01.

Conditions:
Charcot-Marie-Tooth disease type 2. Also called: Charcot-Marie-Tooth type 2. Identifiers: Orphanet 64746, MedGen C0270914, MONDO:0018993.

Allele frequency attached by ClinVar (database versions not stated): gnomAD exomes below 0.00001; ExAC 0.00001; gnomAD 0.00001; TOPMed 0.00001; ESP Exome Variant Server 0.00008.
gnomAD v4.1: 21 of 1,614,008 alleles (0.0013%); highest among the groups gnomAD compares: Non-Finnish European, 0.0018%; 1 homozygote.

Submissions (3):

CeGaT Center for Human Genetics Tuebingen
Classification: Uncertain significance. Last evaluated: 2026-09-01. Review status: criteria provided, single submitter. Criteria: CeGaT Center For Human Genetics Tuebingen Variant Classification Criteria Version 2. Collection method: clinical testing. Allele origin: germline. Affected: yes. Observed: 1 variant allele.
Comment: KIF1B: PP3

Ambry Genetics
Classification: Uncertain significance. Last evaluated: 2025-03-25. Review status: criteria provided, single submitter. Criteria: Ambry Variant Classification Scheme 2023. Collection method: clinical testing. Allele origin: germline.

Labcorp Genetics (formerly Invitae), Labcorp
Classification: Uncertain significance for Charcot-Marie-Tooth disease type 2. Last evaluated: 2022-11-24. Review status: criteria provided, single submitter. Criteria: Invitae Variant Classification Sherloc (09022015). Collection method: clinical testing. Allele origin: germline.
Comment: In summary, the available evidence is currently insufficient to determine the role of this variant in disease. Therefore, it has been classified as a Variant of Uncertain Significance. Algorithms developed to predict the effect of missense changes on protein structure and function (SIFT, PolyPhen-2, Align-GVGD) all suggest that this variant is likely to be tolerated. ClinVar contains an entry for this variant (Variation ID: 1020614). This variant has not been reported in the literature in individuals affected with KIF1B-related conditions. This variant is present in population databases (rs369250279, gnomAD 0.0009%). This sequence change replaces leucine, which is neutral and non-polar, with phenylalanine, which is neutral and non-polar, at codon 1206 of the KIF1B protein (p.Leu1206Phe).

NM_001365951.3(KIF1B):c.3754C>T (p.Leu1252Phe)

Gene: KIF1B (kinesin family member 1B; plus strand). Cytogenetic location: 1p36.22.
Variant type: single nucleotide variant.
Coding change: c.3754C>T on transcript NM_001365951.3 (MANE Select); coding-DNA position 3754, C replaced by T.
Protein change: p.Leu1252Phe; replaces leucine 1252 with phenylalanine.
Molecular consequence: missense variant.
Genome position (GRCh38, 1-based): chr1:10,345,910, C>T. VCF-style: chr1-10345910-C-T. GRCh37 (hg19) VCF-style: chr1-10405968-C-T.
Other names: c.3754C>T, p.Leu1252Phe (NM_001365952.1); c.3616C>T, p.Leu1206Phe (NM_015074.3); short protein forms L1206F, L1252F.
Identifiers: ClinVar variation 1020614 (VCV001020614.12), dbSNP rs369250279, ClinGen allele CA581865.